The following is an entry in ClinVar:

ClinVar aggregate classification (germline): Likely benign (1 of 4 stars; one submission).

Submission:

CeGaT Center for Human Genetics Tuebingen
Classification: Likely benign. Last evaluated: 2025-05-01. Review status: criteria provided, single submitter. Criteria: CeGaT Center For Human Genetics Tuebingen Variant Classification Criteria Version 2. Collection method: clinical testing. Allele origin: germline. Affected: yes. Observed: 1 variant allele.
Comment: RAD51C: PM2:Supporting, BP4, BP7

NM_058216.3(RAD51C):c.966-2217T>C

Gene: RAD51C (RAD51 paralog C; plus strand). Cytogenetic location: 17q22.
Variant type: single nucleotide variant.
Coding change: c.966-2217T>C on transcript NM_058216.3 (MANE Select); 2217 bases into the intron before coding-DNA position 966, T replaced by C.
Molecular consequence: intron variant.
Genome position (GRCh38, 1-based): chr17:58,730,267, T>C. VCF-style: chr17-58730267-T-C. GRCh37 (hg19) VCF-style: chr17-56807628-T-C.
Identifiers: ClinVar variation 3905744 (VCV003905744.10).